The following is an entry in ClinVar:

ClinVar aggregate classification (germline): Conflicting classifications of pathogenicity. Review status: criteria provided, conflicting classifications (1 of 4 stars). 3 submissions from 3 submitters: Pathogenic (1); Uncertain significance (2). Last evaluated 2026-03-03.

Conditions:
Autosomal dominant nocturnal frontal lobe epilepsy 5. Also called: Epilepsy, nocturnal frontal lobe, 5; CILIARY DYSKINESIA, PRIMARY, 28, WITHOUT SITUS INVERSUS; CILIARY DYSKINESIA, PRIMARY, 28, WITH SITUS INVERSUS; KCNT1-Related Epilepsy. Identifiers: Orphanet 98784, MedGen C3554306, MONDO:0014002, OMIM 615005.
Developmental and epileptic encephalopathy, 14 (DEE14). Also called: Early infantile epileptic encephalopathy 14. Identifiers: Orphanet 293181, MedGen C3554195, MONDO:0013989, OMIM 614959.

Submissions (3):

GeneDx
Classification: Pathogenic. Last evaluated: 2026-03-03. Review status: criteria provided, single submitter. Criteria: GeneDx Variant Classification Process June 2021. Collection method: clinical testing. Allele origin: germline.
Comment: Published functional studies demonstrate a damaging gain of function effect (PMID: 36499459); In silico analysis supports that this missense variant has a deleterious effect on protein structure/function; Not observed at significant frequency in large population cohorts (gnomAD); This variant is associated with the following publications: (PMID: 27154776, 34114611, 37329172, 36499459)

Blueprint Genetics
Classification: Uncertain significance. Last evaluated: 2024-05-06. Review status: criteria provided, single submitter. Criteria: ACMG Guidelines, 2015. Collection method: clinical testing. Allele origin: germline.

Labcorp Genetics (formerly Invitae), Labcorp
Classification: Uncertain significance for Autosomal dominant nocturnal frontal lobe epilepsy 5; Developmental and epileptic encephalopathy, 14. Last evaluated: 2022-02-20. Review status: criteria provided, single submitter. Criteria: Invitae Variant Classification Sherloc (09022015). Collection method: clinical testing. Allele origin: germline.
Comment: This sequence change replaces alanine, which is neutral and non-polar, with threonine, which is neutral and polar, at codon 965 of the KCNT1 protein (p.Ala965Thr). In summary, the available evidence is currently insufficient to determine the role of this variant in disease. Therefore, it has been classified as a Variant of Uncertain Significance. Advanced modeling of protein sequence and biophysical properties (such as structural, functional, and spatial information, amino acid conservation, physicochemical variation, residue mobility, and thermodynamic stability) performed at Invitae indicates that this missense variant is expected to disrupt KCNT1 protein function. This variant has not been reported in the literature in individuals affected with KCNT1-related conditions. This variant is not present in population databases (gnomAD no frequency).

NM_020822.3(KCNT1):c.2893G>A (p.Ala965Thr)

Gene: KCNT1 (potassium sodium-activated channel subfamily T member 1; plus strand). Cytogenetic location: 9q34.3.
Variant type: single nucleotide variant.
Coding change: c.2893G>A on transcript NM_020822.3 (MANE Select); coding-DNA position 2893, G replaced by A.
Protein change: p.Ala965Thr; replaces alanine 965 with threonine.
Molecular consequence: missense variant.
Genome position (GRCh38, 1-based): chr9:135,784,075, G>A. VCF-style: chr9-135784075-G-A. GRCh37 (hg19) VCF-style: chr9-138675921-G-A.
Other names: c.2893G>A (NM_020822.2); c.2758G>A, p.Ala920Thr (NM_001272003.2); short protein forms A920T, A965T.
Identifiers: ClinVar variation 2100048 (VCV002100048.7), dbSNP rs2491078631, ClinGen allele CA375517463.